The following is an entry in ClinVar:

NM_001849.4(COL6A2):c.2902_2934dup (p.Asn968_Ser978dup)

Gene: COL6A2 (collagen type VI alpha 2 chain; plus strand). Cytogenetic location: 21q22.3.
Variant type: Duplication.
Coding change: c.2902_2934dup on transcript NM_001849.4 (MANE Select); coding-DNA positions 2902 to 2934, 33 bases duplicated.
Protein change: p.Asn968_Ser978dup.
Molecular consequence: inframe insertion.
Genome position (GRCh38, 1-based): chr21:46,132,394-46,132,426, 33 bases duplicated. GRCh37 (hg19): chr21:47,552,308-47,552,340.
Identifiers: ClinVar variation 581081 (VCV000581081.9), dbSNP rs1568948073, ClinGen allele CA891843737.

ClinVar aggregate classification (germline): Uncertain significance (1 of 4 stars; one submission).

Conditions:
Bethlem myopathy 1A. Also called: Bethlem myopathy 1; MYOPATHY, BENIGN CONGENITAL, WITH CONTRACTURES; Bethlem Muscular Dystrophy. Identifiers: Orphanet 610, MedGen CN029274, MONDO:0024530, OMIM 158810.

Submission:

Labcorp Genetics (formerly Invitae), Labcorp
Classification: Uncertain significance for Bethlem myopathy 1A. Last evaluated: 2023-04-06. Review status: criteria provided, single submitter. Criteria: Invitae Variant Classification Sherloc (09022015). Collection method: clinical testing. Allele origin: germline.
Comment: Experimental studies and prediction algorithms are not available or were not evaluated, and the functional significance of this variant is currently unknown. In summary, the available evidence is currently insufficient to determine the role of this variant in disease. Therefore, it has been classified as a Variant of Uncertain Significance. ClinVar contains an entry for this variant (Variation ID: 581081). This variant, c.2902_2934dup, results in the insertion of 11 amino acid(s) of the COL6A2 protein (p.Asn968_Ser978dup), but otherwise preserves the integrity of the reading frame. This variant is not present in population databases (gnomAD no frequency). This variant has not been reported in the literature in individuals affected with COL6A2-related conditions.